The following is an entry in ClinVar:

ClinVar aggregate classification (germline): Conflicting classifications of pathogenicity; other. Review status: criteria provided, conflicting classifications (1 of 4 stars). 17 submissions from 15 submitters: Pathogenic (3); Likely pathogenic (1); Uncertain significance (7); Benign (1). 4 of the submissions do not count toward it. Last evaluated 2026-05-29.

Conditions:
UGT1A1-related disorder. Also called: UGT1A1-related disorders; UGT1A1-related condition.
Gilbert syndrome. Also called: Gilbert Disease; HYPERBILIRUBINEMIA, GILBERT TYPE; Gilbert's syndrome; HYPERBILIRUBINEMIA I; HYPERBILIRUBINEMIA, ARIAS TYPE. Identifiers: MedGen C0017551, MONDO:0007745, OMIM 143500.
Lucey-Driscoll syndrome (HBLRTFN). Also called: Transient familial neonatal hyperbilirubinemia. Identifiers: Orphanet 2312, MedGen C0270210, MONDO:0009383, OMIM 237900.
Crigler-Najjar syndrome, type II. Also called: Crigler Najjar syndrome, type 2; Mutation in the UDP-glucuronosyl-transferase gene; HYPERBILIRUBINEMIA, CRIGLER-NAJJAR TYPE II. Identifiers: Orphanet 205, Orphanet 79235, MedGen C2931132, MONDO:0011725, OMIM 606785.
Crigler-Najjar syndrome type 1. Also called: HYPERBILIRUBINEMIA, CRIGLER-NAJJAR TYPE I. Identifiers: Orphanet 79234, MedGen C0010324, MONDO:0021020, OMIM 218800.
BILIRUBIN, SERUM LEVEL OF, QUANTITATIVE TRAIT LOCUS 1 (BILIQTL1). Identifiers: MedGen C1866173, OMIM 601816.

Allele frequency attached by ClinVar (database versions not stated): TOPMed 0.00142; 1000 Genomes Project 30x 0.00250; 1000 Genomes Project 0.00280.
gnomAD v4.1: 769 of 1,614,172 alleles (0.048%); highest among the groups gnomAD compares: East Asian, 1.3%; 15 homozygotes.

Submissions 1 to 8 of 17:

PreventionGenetics, part of Exact Sciences
Classification: Uncertain significance for UGT1A1-related condition. Last evaluated: 2026-05-29. Review status: criteria provided, single submitter. Criteria: ACMG Guidelines, 2015. Collection method: clinical testing. Allele origin: germline.
Comment: The UGT1A1 c.686C>A variant is predicted to result in the amino acid substitution p.Pro229Gln. The minor allele frequency of this variant is over 1% in the East Asian sub-population, including 3 homozygous individuals, indicating this variant may be too common to be a primary cause of a Mendelian disease. However, an in vitro study indicated this variant caused a reduction in the activity of bilirubin UDP-glucuronosyltransferase (UGT) (Koiwai et al. 1995. PubMed ID: 8528206). The contribution of this variant to disease remains under debate (Kaniwa et al. 2005. PubMed ID: 15572581; Zhang et al. 2007. PubMed ID: 17060921; Wisnumurti et al. 2018. PubMed ID: 29607327), and classifications for this variant from outside laboratories range from benign to pathogenic (ClinVar Variation ID: 12274). Therefore, we classify c.686C>A (p.Pro229Gln) as a variant of uncertain significance.

Labcorp Genetics (formerly Invitae), Labcorp
Classification: Uncertain significance. Last evaluated: 2026-01-05. Review status: criteria provided, single submitter. Criteria: Invitae Variant Classification Sherloc (09022015). Collection method: clinical testing. Allele origin: germline.
Comment: This sequence change replaces proline, which is neutral and non-polar, with glutamine, which is neutral and polar, at codon 229 of the UGT1A1 protein (p.Pro229Gln). This variant is present in population databases (rs35350960, gnomAD 2.0%), and has an allele count higher than expected for a pathogenic variant. This variant has been observed in individual(s) with Gilbert disease (PMID: 7715297, 8528206, 14616765). This variant is frequently observed to be in cis with the c.-41_-40dup (aka UGT1A1*28 or (TA)7) variant (PMID: 11316168, 19325249, 15304120) This variant is also known as UGT1A1*27. ClinVar contains an entry for this variant (Variation ID: 12274). Invitae Evidence Modeling of protein sequence and biophysical properties (such as structural, functional, and spatial information, amino acid conservation, physicochemical variation, residue mobility, and thermodynamic stability) indicates that this missense variant is not expected to disrupt UGT1A1 protein function with a negative predictive value of 80%. Experimental studies have shown that this missense change affects UGT1A1 function (PMID: 8528206, 18004206). In summary, the available evidence is currently insufficient to determine the role of this variant in disease. Therefore, it has been classified as a Variant of Uncertain Significance.

Genesolutions, Medical Genetics Institutes, Ho Chi Minh City, Vietnam
Classification: Uncertain significance for Gilbert syndrome. Last evaluated: 2025-09-24. Review status: criteria provided, single submitter. Criteria: ACMG Guidelines, 2015. Collection method: clinical testing. Allele origin: germline. Affected: yes.

ARUP Laboratories, Molecular Genetics and Genomics, ARUP Laboratories
Classification: Pathogenic. Last evaluated: 2025-04-28. Review status: criteria provided, single submitter. Criteria: ARUP Molecular Germline Variant Investigation Process 2024. Collection method: clinical testing. Allele origin: germline.
Comment: The UGT1A1 c.686C>A, p.Pro229Gln variant (rs35350960; ClinVar Variation ID: 12274), also known as the UGT1A1*27 allele (Mackenzie 1997), is reported in the literature in individuals of East Asian descent affected with Gilbert syndrome, almost always with one or two copies of the pathogenic-mild UGT1A1 *28 promoter variant (Huang 2000, Koiwai 1995, Maruo 2003, Sai 2004, Sun 2017). Functional analyses of the p.Pro229Gln variant protein showed markedly reduced enzyme activity (Koiwai 1995, Udomuksorn 2007). Individuals heterozygous for the UGT1A1*27 allele may also be at increased risk for drug toxicity when treated with irinotecan (Ando 2000, Teh 2012). This variant is found predominantly in the East Asian population with an overall allele frequency of 1.9% (389/19954 alleles, including three homozygotes) in the Genome Aggregation Database. The proline at codon 229 is highly conserved, but computational analyses are uncertain whether this variant is neutral or deleterious (REVEL: 0.32). Based on available information, this variant is considered to be mildly pathogenic for Gilbert syndrome with reduced penetrance. References: Ando Y et al. Polymorphisms of UDP-glucuronosyltransferase gene and irinotecan toxicity: a pharmacogenetic analysis. Cancer Res. 2000 60:6921-6926. PMID: 11156391 Huang CS et al. Variations of the bilirubin uridine-diphosphoglucuronosyl transferase 1A1 gene in healthy Taiwanese. Pharmacogenetics. 2000 10:539-544. PMID: 10975608 Kaniwa N et al. Racial variability in haplotype frequencies of UGT1A1 and glucuronidation activity of a novel single nucleotide polymorphism 686C> T (P229L) found in an African-American. Drug Metab Dispos. 2005 33:458-465. PMID: 15572581 Koiwai O et al. Gilbert's syndrome is caused by a heterozygous missense mutation in the gene for bilirubin UDP-glucuronosyltransferase. Hum Mol Genet. 1995 4:1183-1186. PMID: 8528206 Mackenzie PI et al. The UDP glycosyltransferase gene superfamily: recommended nomenclature update based on evolutionary divergence. Pharmacogenetics. 1997 7:255-269. PMID: 9295054 Maruo Y et al. Co-occurrence of three different mutations in the bilirubin UDP-glucuronosyltransferase gene in a Chinese family with Crigler-Najjar syndrome type I and Gilbert's syndrome. Clin Genet. 2003 64:420-423. PMID: 14616765 Sai K et al. UGT1A1 haplotypes associated with reduced glucuronidation and increased serum bilirubin in irinotecan-administered Japanese patients with cancer. Clin Pharmacol Ther. 2004 75:501-515. PMID: 15179405 Sun L et al. Differences in UGT1A1 gene mutations and pathological liver changes between Chinese patients with Gilbert syndrome and Crigler-Najjar syndrome type II. Medicine (Baltimore). 2017 96:e8620. PMID: 29137095 Teh LK et al. Polymorphisms of UGT1A1*6, UGT1A1*27 & UGT1A1*28 in three major ethnic groups from Malaysia. Indian J Med Res. 2012 136:249-259. PMID: 22960892 Udomuksorn W et al. Influence of mutations associated with Gilbert and Crigler-Najjar type II syndromes on the glucuronidation kinetics of bilirubin and other UDP-glucuronosyltransferase 1A substrates. Pharmacogenet Genomics. 2007 17:1017-1029. PMID: 18004206

First Genomix Gene Laboratory, Genetic Diagnostics Department
Classification: Likely pathogenic for Crigler-Najjar syndrome type 1; Crigler-Najjar syndrome, type II; Gilbert syndrome; Lucey-Driscoll syndrome. Last evaluated: 2025-04-22. Review status: criteria provided, single submitter. Criteria: ACMG Guidelines, 2015. Collection method: clinical testing. Allele origin: germline. Inheritance: Autosomal recessive inheritance. Affected: no. Observed: 1 variant allele.

Blueprint Genetics
Classification: Uncertain significance. Last evaluated: 2024-11-01. Review status: criteria provided, single submitter. Criteria: ACMG Guidelines, 2015. Collection method: clinical testing. Allele origin: germline.

Mayo Clinic Laboratories, Mayo Clinic
Classification: Pathogenic. Last evaluated: 2024-05-09. Review status: criteria provided, single submitter. Criteria: ACMG Guidelines, 2015. Collection method: clinical testing. Allele origin: germline.

Department of Pathology and Laboratory Medicine, Sinai Health System
Classification: Uncertain significance for Gilbert syndrome; Crigler-Najjar syndrome type 1; Lucey-Driscoll syndrome; Crigler-Najjar syndrome, type II. Last evaluated: 2023-07-03. Review status: criteria provided, single submitter. Criteria: ACMG Guidelines, 2015. Collection method: research. Allele origin: germline.

NM_000463.3(UGT1A1):c.686C>A (p.Pro229Gln)

Genes: UGT1A (UDP glucuronosyltransferase family 1 member A complex locus; plus strand), UGT1A1 (UDP glucuronosyltransferase family 1 member A1; plus strand), UGT1A10 (UDP glucuronosyltransferase family 1 member A10; plus strand), UGT1A3 (UDP glucuronosyltransferase family 1 member A3; plus strand), UGT1A4 (UDP glucuronosyltransferase family 1 member A4; plus strand) and 5 more. Cytogenetic location: 2q37.1.
Variant type: single nucleotide variant.
Coding change: c.686C>A on transcript NM_000463.3 (MANE Select); coding-DNA position 686, C replaced by A.
Protein change: p.Pro229Gln; replaces proline 229 with glutamine.
Molecular consequence: missense variant. On other transcripts: intron variant (9).
Genome position (GRCh38, 1-based): chr2:233,760,973, C>A. VCF-style: chr2-233760973-C-A. GRCh37 (hg19) VCF-style: chr2-234669619-C-A.
Other names: c.856-6061C>A (NM_019076.5, NM_019075.4, NM_021027.3 and 1 more transcripts); c.61-6061C>A (NM_205862.3); c.862-6061C>A (NM_001072.4); c.868-6061C>A (NM_019078.2, NM_007120.3, NM_019093.4); short protein forms P229Q.
Identifiers: ClinVar variation 12274 (VCV000012274.50), dbSNP rs35350960, ClinGen allele CA122068.